The following is an entry in ClinVar:

NM_002202.3(ISL1):c.219-3C>T

Gene: ISL1 (ISL LIM homeobox 1; plus strand). Cytogenetic location: 5q11.1.
Variant type: single nucleotide variant.
Coding change: c.219-3C>T on transcript NM_002202.3 (MANE Select); 3 bases into the intron before coding-DNA position 219, C replaced by T.
Molecular consequence: intron variant.
Genome position (GRCh38, 1-based): chr5:51,387,487, C>T. VCF-style: chr5-51387487-C-T. GRCh37 (hg19) VCF-style: chr5-50683321-C-T.
Identifiers: ClinVar variation 3049528 (VCV003049528.2), dbSNP rs1747374071, ClinGen allele CA2578306302.

ClinVar aggregate classification (germline): Likely benign (0 of 4 stars; one submission).

Conditions:
ISL1-related disorder. Also called: ISL1-related condition.

Allele frequency attached by ClinVar (database versions not stated): gnomAD exomes below 0.00001; TOPMed below 0.00001.
gnomAD v4.1: 4 of 1,614,044 alleles (0.00025%); highest among the groups gnomAD compares: Non-Finnish European, 0.00034%; no homozygotes.

Submission:

PreventionGenetics, part of Exact Sciences
Classification: Likely benign for ISL1-related condition. Last evaluated: 2019-07-12. Review status: no assertion criteria provided. Collection method: clinical testing. Allele origin: germline.
Comment: This variant is classified as likely benign based on ACMG/AMP sequence variant interpretation guidelines (Richards et al. 2015 PMID: 25741868, with internal and published modifications).